The following is an entry in ClinVar:

ClinVar aggregate classification (germline): Conflicting classifications of pathogenicity. Review status: criteria provided, conflicting classifications (1 of 4 stars). 2 submissions from 2 submitters: Uncertain significance (1); Likely benign (1). Last evaluated 2025-05-24.

Conditions:
Familial hypobetalipoproteinemia 1. Also called: Hypobetalipoproteinemia, normotriglyceridemic; Acanthocytosis with hypobetalipoproteinemia; APOB-Related Familial Hypobetalipoproteinemia. Identifiers: MedGen C4551990, MONDO:0014252, OMIM 615558.
Hypercholesterolemia, autosomal dominant, type B (FHCL2). Also called: Familial Hypercholesterolemia Type B; HYPERCHOLESTEROLEMIA, FAMILIAL, DUE TO LIGAND-DEFECTIVE APOLIPOPROTEIN B; Familial hypercholesterolemia 2; APOB-Related Familial Hypercholesterolemia, Autosomal Dominant; APOLIPOPROTEIN B-100, FAMILIAL DEFECTIVE; APOLIPOPROTEIN B-100, FAMILIAL LIGAND-DEFECTIVE. Identifiers: MedGen C1704417, MONDO:0007751, OMIM 144010.
Cardiovascular phenotype. Identifiers: MedGen CN230736.

Allele frequency attached by ClinVar (database versions not stated): TOPMed below 0.00001; gnomAD 0.00001.
gnomAD v4.1: 5 of 1,614,018 alleles (0.00031%); highest among the groups gnomAD compares: Non-Finnish European, 0.000085%; no homozygotes.

Submissions (2):

Ambry Genetics
Classification: Uncertain significance for Cardiovascular phenotype. Last evaluated: 2025-05-24. Review status: criteria provided, single submitter. Criteria: Ambry Variant Classification Scheme 2023. Collection method: clinical testing. Allele origin: germline.
Comment: The p.L1358F variant (also known as c.4072C>T), located in coding exon 25 of the APOB gene, results from a C to T substitution at nucleotide position 4072. The leucine at codon 1358 is replaced by phenylalanine, an amino acid with highly similar properties. This amino acid position is not well conserved in available vertebrate species. In addition, this alteration is predicted to be tolerated by in silico analysis. Since supporting evidence is limited at this time, the clinical significance of this alteration remains unclear.

Labcorp Genetics (formerly Invitae), Labcorp
Classification: Likely benign for Familial hypobetalipoproteinemia 1; Hypercholesterolemia, autosomal dominant, type B. Last evaluated: 2023-04-24. Review status: criteria provided, single submitter. Criteria: Invitae Variant Classification Sherloc (09022015). Collection method: clinical testing. Allele origin: germline.

NM_000384.3(APOB):c.4072C>T (p.Leu1358Phe)

Gene: APOB (apolipoprotein B; minus strand). Cytogenetic location: 2p24.1.
Variant type: single nucleotide variant.
Coding change: c.4072C>T on transcript NM_000384.3 (MANE Select); coding-DNA position 4072, C replaced by T.
Protein change: p.Leu1358Phe; replaces leucine 1358 with phenylalanine.
Molecular consequence: missense variant.
Genome position (GRCh38, 1-based): chr2:21,013,304, G>A on the plus strand (C>T on the coding strand, the complement: APOB is on the minus strand). VCF-style: chr2-21013304-G-A. GRCh37 (hg19) VCF-style: chr2-21236176-G-A.
Other names: short protein forms L1358F.
Identifiers: ClinVar variation 921781 (VCV000921781.9), dbSNP rs565963363, ClinGen allele CA060441.